The following is an entry in ClinVar:

NM_000503.6(EYA1):c.1691del (p.Ala564fs)

Gene: EYA1 (EYA transcriptional coactivator and phosphatase 1; minus strand). Cytogenetic location: 8q13.3.
Variant type: Deletion.
Coding change: c.1691del on transcript NM_000503.6 (MANE Select); coding-DNA position 1691, one base deleted (C; older notation c.1691delC).
Protein change: p.Ala564fs; shifts the reading frame from alanine 564.
Molecular consequence: frameshift variant.
Genome position (GRCh38, 1-based): chr8:71,211,163, G deleted on the plus strand (C on the coding strand, the reverse complement: EYA1 is on the minus strand). VCF-style (leftmost placement, unchanged base first): chr8-71211162-TG-T. GRCh37 (hg19) VCF-style: chr8-72123397-TG-T.
Other names: c.1673del, p.Ala558fs (NM_001288574.2, NM_172059.5); c.1325del, p.Ala442fs (NM_001288575.2); c.1778del, p.Ala593fs (NM_001370333.1); c.1691del, p.Ala564fs (NM_001370334.1, NM_001370335.1, NM_172058.4); c.1670del, p.Ala557fs (NM_001370336.1); c.1592del, p.Ala531fs (NM_001411797.1, NM_172060.4); short protein forms A442fs, A531fs, A557fs, A558fs, A564fs, A593fs.
Identifiers: ClinVar variation 3390560 (VCV003390560.1).
Genomic context (GRCh38, chr8:71,211,162, plus strand): 5'-TACTGAGGACTGAAAAAACAAATGAGACAAGATGCACCATCTAGGAATGCTCACCTTTTT[TG>T]CTCCTTGTTCTTCTTCTACACCATCTCCTATAACAACATACACCACTTTTCTTCCAAACC-3'

ClinVar aggregate classification (germline): Likely pathogenic (1 of 4 stars; one submission).

Submission:

GeneDx
Classification: Likely pathogenic. Last evaluated: 2024-06-11. Review status: criteria provided, single submitter. Criteria: GeneDx Variant Classification Process June 2021. Collection method: clinical testing. Allele origin: germline. Affected: yes.
Comment: Frameshift variant predicted to result in abnormal protein length as the last 29 amino acids are replaced with 72 different amino acids, and other similar variants have been reported in HGMD; Not observed at significant frequency in large population cohorts (gnomAD); This variant is associated with the following publications: (PMID: 9603436)